The following is an entry in ClinVar:

NM_001130987.2(DYSF):c.4627-305C>T

Gene: DYSF (dysferlin; plus strand). Cytogenetic location: 2p13.2.
Variant type: single nucleotide variant.
Coding change: c.4627-305C>T on transcript NM_001130987.2 (MANE Select); 305 bases into the intron before coding-DNA position 4627, C replaced by T.
Molecular consequence: intron variant.
Genome position (GRCh38, 1-based): chr2:71,655,857, C>T. VCF-style: chr2-71655857-C-T. GRCh37 (hg19) VCF-style: chr2-71882987-C-T.
Other names: c.4603-305C>T (NM_001130979.2); c.4624-305C>T (NM_001130981.2); c.4561-305C>T (NM_001130980.2); c.4573-305C>T (NM_001130978.2); c.4510-305C>T (NM_003494.4); c.4531-305C>T (NM_001130977.2); c.4468-305C>T (NM_001130976.2); c.4606-305C>T (NM_001130982.2); and 5 more.
Identifiers: ClinVar variation 671730 (VCV000671730.1), dbSNP rs59664907, ClinGen allele CA49760073.

ClinVar aggregate classification (germline): Benign (1 of 4 stars; one submission).

Allele frequency attached by ClinVar (database versions not stated): gnomAD 0.05972 and 0.06315; 1000 Genomes Project 0.06210; 1000 Genomes Project 30x 0.06590; TOPMed 0.06691.
gnomAD v4.1: 8,995 of 152,236 alleles (5.9%); highest among the groups gnomAD compares: African/African-American, 19%; 751 homozygotes.

Submission:

GeneDx
Classification: Benign. Last evaluated: 2018-06-18. Review status: criteria provided, single submitter. Criteria: GeneDx Variant Classification (06012015). Collection method: clinical testing. Allele origin: germline. Affected: yes.
Comment: This variant is considered likely benign or benign based on one or more of the following criteria: it is a conservative change, it occurs at a poorly conserved position in the protein, it is predicted to be benign by multiple in silico algorithms, and/or has population frequency not consistent with disease.